The following is an entry in ClinVar:

ClinVar aggregate classification (germline): Uncertain significance. Review status: criteria provided, multiple submitters, no conflicts (2 of 4 stars). 2 submissions from 2 submitters: Uncertain significance (2). Last evaluated 2024-06-10.

Conditions:
Inborn genetic diseases. Identifiers: MedGen C0950123, MeSH D030342.

Allele frequency attached by ClinVar (database versions not stated): gnomAD exomes 0.00001; TOPMed 0.00002; ExAC 0.00003.
gnomAD v4.1: 13 of 1,614,084 alleles (0.00081%); highest among the groups gnomAD compares: Non-Finnish European, 0.0011%; no homozygotes.

Submissions (2):

Labcorp Genetics (formerly Invitae), Labcorp
Classification: Uncertain significance. Last evaluated: 2024-06-10. Review status: criteria provided, single submitter. Criteria: Invitae Variant Classification Sherloc (09022015). Collection method: clinical testing. Allele origin: germline.
Comment: This sequence change replaces proline, which is neutral and non-polar, with serine, which is neutral and polar, at codon 355 of the COL27A1 protein (p.Pro355Ser). This variant is present in population databases (rs766660251, gnomAD 0.004%). This variant has not been reported in the literature in individuals affected with COL27A1-related conditions. ClinVar contains an entry for this variant (Variation ID: 2165891). Advanced modeling of protein sequence and biophysical properties (such as structural, functional, and spatial information, amino acid conservation, physicochemical variation, residue mobility, and thermodynamic stability) performed at Invitae indicates that this missense variant is not expected to disrupt COL27A1 protein function with a negative predictive value of 95%. In summary, the available evidence is currently insufficient to determine the role of this variant in disease. Therefore, it has been classified as a Variant of Uncertain Significance.

Ambry Genetics
Classification: Uncertain significance for Inborn genetic diseases. Last evaluated: 2024-03-08. Review status: criteria provided, single submitter. Criteria: Ambry Variant Classification Scheme 2023. Collection method: clinical testing. Allele origin: germline.

NM_032888.4(COL27A1):c.1063C>T (p.Pro355Ser)

Gene: COL27A1 (collagen type XXVII alpha 1 chain; plus strand). Cytogenetic location: 9q32.
Variant type: single nucleotide variant.
Coding change: c.1063C>T on transcript NM_032888.4 (MANE Select); coding-DNA position 1063, C replaced by T.
Protein change: p.Pro355Ser; replaces proline 355 with serine.
Molecular consequence: missense variant.
Genome position (GRCh38, 1-based): chr9:114,168,618, C>T. VCF-style: chr9-114168618-C-T. GRCh37 (hg19) VCF-style: chr9-116930898-C-T.
Other names: c.1063C>T (NM_032888.2); short protein forms P355S.
Identifiers: ClinVar variation 2165891 (VCV002165891.3), dbSNP rs766660251, ClinGen allele CA5201300.
Genomic context (GRCh38, chr9:114,168,618, plus strand): 5'-CCCATGCTCCCAGCCTCTGTTGGCGGCTCTACCAGAACGCCTCGCCCTGCGGCCGCTCAA[C>T]CATCACAGAAGATCACAGCCACCAAAATCCCCAAAAGCCTCCCTACCAAGCCTTCGGCCC-3'
Protein context (NP_116277.2, residues 345-365): TRTPRPAAAQ[Pro355Ser]SQKITATKIP